The following is an entry in ClinVar:

NM_001845.6(COL4A1):c.441C>T (p.Pro147=)

Gene: COL4A1 (collagen type IV alpha 1 chain; minus strand). Cytogenetic location: 13q34.
Variant type: single nucleotide variant.
Coding change: c.441C>T on transcript NM_001845.6 (MANE Select); coding-DNA position 441, C replaced by T.
Protein change: p.Pro147=; no amino-acid change (proline 147 retained).
Molecular consequence: synonymous variant.
Genome position (GRCh38, 1-based): chr13:110,211,869, G>A on the plus strand (C>T on the coding strand, the complement: COL4A1 is on the minus strand). VCF-style: chr13-110211869-G-A. GRCh37 (hg19) VCF-style: chr13-110864216-G-A.
Other names: c.441C>T, p.Pro147= (NM_001303110.2).
Identifiers: ClinVar variation 1405019 (VCV001405019.22), dbSNP rs201812821, ClinGen allele CA7048515.

ClinVar aggregate classification (germline): Conflicting classifications of pathogenicity. Review status: criteria provided, conflicting classifications (1 of 4 stars). 4 submissions from 4 submitters: Uncertain significance (2); Likely benign (2). Last evaluated 2025-11-06.

Conditions:
Autosomal dominant familial hematuria-retinal arteriolar tortuosity-contractures syndrome. Also called: Hereditary Angiopathy with Nephropathy, Aneurysms, and Muscle Cramps (HANAC) Syndrome; Angiopathy, hereditary, with nephropathy, aneurysms, and muscle cramps. Identifiers: Orphanet 73229, MedGen C2673195, MONDO:0012726, OMIM 611773.
Hemorrhage, intracerebral, susceptibility to (ICH). Also called: Stroke, hemorrhagic, susceptibility to. Identifiers: MedGen C3281105, MONDO:0100533, OMIM 614519.
Retinal arterial tortuosity. Also called: RETINAL HEMORRHAGE WITH VASCULAR TORTUOSITY; Retinal arteries, tortuosity of. Identifiers: Orphanet 75326, MedGen C0423401, MONDO:0008373, OMIM 180000, HP:0000631.
Brain small vessel disease 1 with or without ocular anomalies (BSVD1). Also called: Brain small vessel disease with or without ocular anomalies; PORENCEPHALY, TYPE 1, AUTOSOMAL DOMINANT; BRAIN SMALL VESSEL DISEASE WITH HEMORRHAGE; GOULD SYNDROME 1. Identifiers: Orphanet 2940, Orphanet 36383, Orphanet 99810, MedGen C4755307, MONDO:0008289, OMIM 175780.
Microangiopathy and leukoencephalopathy, pontine, autosomal dominant. Also called: DEMENTIA, HEREDITARY MULTI-INFARCT, SWEDISH TYPE; Pontine autosomal dominant microangiopathy with leukoencephalopathy. Identifiers: Orphanet 477749, MedGen C5231411, MONDO:0032814, OMIM 618564.

Allele frequency attached by ClinVar (database versions not stated): gnomAD 0.00003 and 0.00004; TOPMed 0.00006; ESP Exome Variant Server 0.00015.
gnomAD v4.1: 106 of 1,613,970 alleles (0.0066%); highest among the groups gnomAD compares: Non-Finnish European, 0.0082%; no homozygotes.

Submissions (4):

Labcorp Genetics (formerly Invitae), Labcorp
Classification: Uncertain significance. Last evaluated: 2025-11-06. Review status: criteria provided, single submitter. Criteria: Invitae Variant Classification Sherloc (09022015). Collection method: clinical testing. Allele origin: germline.
Comment: This sequence change affects codon 147 of the COL4A1 mRNA. It is a 'silent' change, meaning that it does not change the encoded amino acid sequence of the COL4A1 protein. It affects a nucleotide within the consensus splice site. This variant is present in population databases (rs201812821, gnomAD 0.006%). This variant has not been reported in the literature in individuals affected with COL4A1-related conditions. ClinVar contains an entry for this variant (Variation ID: 1405019). Algorithms developed to predict the effect of sequence changes on RNA splicing suggest that this variant is not likely to affect RNA splicing. In summary, the available evidence is currently insufficient to determine the role of this variant in disease. Therefore, it has been classified as a Variant of Uncertain Significance.

CeGaT Center for Human Genetics Tuebingen
Classification: Likely benign. Last evaluated: 2024-09-01. Review status: criteria provided, single submitter. Criteria: CeGaT Center For Human Genetics Tuebingen Variant Classification Criteria Version 2. Collection method: clinical testing. Allele origin: germline. Affected: yes. Observed: 1 variant allele.
Comment: COL4A1: BP4, BP7

Blueprint Genetics
Classification: Likely benign. Last evaluated: 2024-03-26. Review status: criteria provided, single submitter. Criteria: ACMG Guidelines, 2015. Collection method: clinical testing. Allele origin: germline.

Fulgent Genetics
Classification: Uncertain significance for Brain small vessel disease 1 with or without ocular anomalies; Retinal arterial tortuosity; Autosomal dominant familial hematuria-retinal arteriolar tortuosity-contractures syndrome; Hemorrhage, intracerebral, susceptibility to; Microangiopathy and leukoencephalopathy, pontine, autosomal dominant. Last evaluated: 2022-03-30. Review status: criteria provided, single submitter. Criteria: ACMG Guidelines, 2015. Collection method: clinical testing. Allele origin: unknown.